The following is an entry in ClinVar:

NM_001370259.2(MEN1):c.1222G>C (p.Glu408Gln)

Gene: MEN1 (menin 1; minus strand). Cytogenetic location: 11q13.1.
Variant type: single nucleotide variant.
Coding change: c.1222G>C on transcript NM_001370259.2 (MANE Select); coding-DNA position 1222, G replaced by C.
Protein change: p.Glu408Gln; replaces glutamic acid 408 with glutamine.
Molecular consequence: missense variant.
Genome position (GRCh38, 1-based): chr11:64,805,162, C>G on the plus strand (G>C on the coding strand, the complement: MEN1 is on the minus strand). VCF-style: chr11-64805162-C-G. GRCh37 (hg19) VCF-style: chr11-64572634-C-G.
Other names: c.1237G>C, p.Glu413Gln (NM_130803.3, NM_130804.3, NM_130800.3 and 3 more transcripts); c.1222G>C, p.Glu408Gln (NM_130799.3, NM_001370260.2, NM_001370261.2); c.1348G>C, p.Glu450Gln (NM_001370251.2); c.1117G>C, p.Glu373Gln (NM_001370262.2, NM_001370263.2); short protein forms E408Q, E373Q, E450Q, E413Q.
Identifiers: ClinVar variation 941600 (VCV000941600.9), dbSNP rs1941620661, ClinGen allele CA381180685.

ClinVar aggregate classification (germline): Uncertain significance (1 of 4 stars; one submission).

Conditions:
Multiple endocrine neoplasia, type 1 (MEN1). Also called: MEN I; WERMER SYNDROME; Endocrine adenomatosis multiple; MEN 1; MEA I. Identifiers: Orphanet 652, MedGen C0025267, MeSH D018761, MONDO:0007540, OMIM 131100.

Submission:

Labcorp Genetics (formerly Invitae), Labcorp
Classification: Uncertain significance for Multiple endocrine neoplasia, type 1. Last evaluated: 2019-07-18. Review status: criteria provided, single submitter. Criteria: Invitae Variant Classification Sherloc (09022015). Collection method: clinical testing. Allele origin: germline.
Comment: In summary, the available evidence is currently insufficient to determine the role of this variant in disease. Therefore, it has been classified as a Variant of Uncertain Significance. Algorithms developed to predict the effect of missense changes on protein structure and function are either unavailable or do not agree on the potential impact of this missense change (SIFT: "Tolerated"; PolyPhen-2: "Possibly Damaging"; Align-GVGD: "Class C0"). This variant has not been reported in the literature in individuals with MEN1-related conditions. This variant is not present in population databases (ExAC no frequency). This sequence change replaces glutamic acid with glutamine at codon 408 of the MEN1 protein (p.Glu408Gln). The glutamic acid residue is moderately conserved and there is a small physicochemical difference between glutamic acid and glutamine.